The following is an entry in ClinVar:

ClinVar aggregate classification (germline): Pathogenic (1 of 4 stars; one submission).

Submission:

Labcorp Genetics (formerly Invitae), Labcorp
Classification: Pathogenic. Last evaluated: 2023-01-17. Review status: criteria provided, single submitter. Criteria: Invitae Variant Classification Sherloc (09022015). Collection method: clinical testing. Allele origin: germline.
Comment: This variant has not been reported in the literature in individuals affected with COL17A1-related conditions. This sequence change creates a premature translational stop signal (p.Glu13*) in the COL17A1 gene. It is expected to result in an absent or disrupted protein product. Loss-of-function variants in COL17A1 are known to be pathogenic (PMID: 16473856, 17344927, 20301304, 21357940, 24319098). This variant is not present in population databases (gnomAD no frequency). For these reasons, this variant has been classified as Pathogenic.

Literature cited by the submitters: PubMed 16473856; PubMed 17344927; PubMed 20301304; PubMed 21357940; PubMed 24319098.

NM_000494.4(COL17A1):c.37G>T (p.Glu13Ter)

Gene: COL17A1 (collagen type XVII alpha 1 chain; minus strand). Cytogenetic location: 10q25.1.
Variant type: single nucleotide variant.
Coding change: c.37G>T on transcript NM_000494.4 (MANE Select); coding-DNA position 37, G replaced by T.
Protein change: p.Glu13Ter; replaces glutamic acid 13 with a stop codon.
Molecular consequence: nonsense.
Genome position (GRCh38, 1-based): chr10:104,080,637, C>A on the plus strand (G>T on the coding strand, the complement: COL17A1 is on the minus strand). VCF-style: chr10-104080637-C-A. GRCh37 (hg19) VCF-style: chr10-105840395-C-A.
Other names: short protein forms E13*.
Identifiers: ClinVar variation 2996559 (VCV002996559.3), dbSNP rs2493395783, ClinGen allele CA378083051.
Genomic context (GRCh38, chr10:104,080,637, plus strand): 5'-CTTTCATAATAAAACACATAAATTAAAAAATTCTGATGCTCTTACTTCTCTCAGTGACTT[C>A]AGTTCCATCTCGTTTGTTTTTCTTGGTTACATCCATACCATAGCCACCTGCAGGAAAAAT-3'